The following is an entry in ClinVar:

NM_001134363.3(RBM20):c.569C>T (p.Pro190Leu)

Gene: RBM20 (RNA binding motif protein 20; plus strand). Cytogenetic location: 10q25.2.
Variant type: single nucleotide variant.
Coding change: c.569C>T on transcript NM_001134363.3 (MANE Select); coding-DNA position 569, C replaced by T.
Protein change: p.Pro190Leu; replaces proline 190 with leucine.
Molecular consequence: missense variant.
Genome position (GRCh38, 1-based): chr10:110,781,178, C>T. VCF-style: chr10-110781178-C-T. GRCh37 (hg19) VCF-style: chr10-112540936-C-T.
Other names: short protein forms P190L.
Identifiers: ClinVar variation 645186 (VCV000645186.10), dbSNP rs1321284191, ClinGen allele CA378381308.

ClinVar aggregate classification (germline): Uncertain significance. Review status: criteria provided, multiple submitters, no conflicts (2 of 4 stars). 3 submissions from 3 submitters: Uncertain significance (3). Last evaluated 2025-12-09.

Conditions:
Cardiovascular phenotype. Identifiers: MedGen CN230736.
Dilated cardiomyopathy 1DD (CMD1DD). Identifiers: Orphanet 154, MedGen C2750995, MONDO:0013168, OMIM 613172.

Allele frequency attached by ClinVar (database versions not stated): gnomAD exomes below 0.00001; TOPMed below 0.00001; gnomAD 0.00001.
gnomAD v4.1: 4 of 1,551,602 alleles (0.00026%); highest among the groups gnomAD compares: East Asian, 0.0049%; no homozygotes.

Submissions (3):

Labcorp Genetics (formerly Invitae), Labcorp
Classification: Uncertain significance for Dilated cardiomyopathy 1DD. Last evaluated: 2025-12-09. Review status: criteria provided, single submitter. Criteria: Invitae Variant Classification Sherloc (09022015). Collection method: clinical testing. Allele origin: germline.
Comment: This sequence change replaces proline, which is neutral and non-polar, with leucine, which is neutral and non-polar, at codon 190 of the RBM20 protein (p.Pro190Leu). This variant is not present in population databases (gnomAD no frequency). This variant has not been reported in the literature in individuals affected with RBM20-related conditions. ClinVar contains an entry for this variant (Variation ID: 645186). Invitae Evidence Modeling of protein sequence and biophysical properties (such as structural, functional, and spatial information, amino acid conservation, physicochemical variation, residue mobility, and thermodynamic stability) indicates that this missense variant is not expected to disrupt RBM20 protein function with a negative predictive value of 95%. In summary, the available evidence is currently insufficient to determine the role of this variant in disease. Therefore, it has been classified as a Variant of Uncertain Significance.

Ambry Genetics
Classification: Uncertain significance for Cardiovascular phenotype. Last evaluated: 2025-08-20. Review status: criteria provided, single submitter. Criteria: Ambry Variant Classification Scheme 2023. Collection method: clinical testing. Allele origin: germline.
Comment: The p.P190L variant (also known as c.569C>T), located in coding exon 2 of the RBM20 gene, results from a C to T substitution at nucleotide position 569. The proline at codon 190 is replaced by leucine, an amino acid with similar properties. This amino acid position is conserved. In addition, the in silico prediction for this alteration is inconclusive. Based on the available evidence, the clinical significance of this variant remains unclear.

GeneDx
Classification: Uncertain significance. Last evaluated: 2022-06-06. Review status: criteria provided, single submitter. Criteria: GeneDx Variant Classification Process June 2021. Collection method: clinical testing. Allele origin: germline. Affected: yes.
Comment: Not observed at significant frequency in large population cohorts (gnomAD); In silico analysis supports that this missense variant does not alter protein structure/function; Has not been previously published as pathogenic or benign to our knowledge